The following is an entry in ClinVar:

NM_005228.5(EGFR):c.488A>G (p.Gln163Arg)

Gene: EGFR (epidermal growth factor receptor; plus strand). Cytogenetic location: 7p11.2.
Variant type: single nucleotide variant.
Coding change: c.488A>G on transcript NM_005228.5 (MANE Select); coding-DNA position 488, A replaced by G.
Protein change: p.Gln163Arg; replaces glutamine 163 with arginine.
Molecular consequence: missense variant. On other transcripts: intron variant (3).
Genome position (GRCh38, 1-based): chr7:55,146,669, A>G. VCF-style: chr7-55146669-A-G. GRCh37 (hg19) VCF-style: chr7-55214362-A-G.
Other names: c.488A>G, p.Gln163Arg (NM_001346898.2, NM_201282.2, NM_201283.2 and 1 more transcripts); c.329A>G, p.Gln110Arg (NM_001346900.2); c.424+3181A>G (NM_001346899.2, NM_001346897.2); c.89-9161A>G (NM_001346941.2); short protein forms Q110R, Q163R.
Identifiers: ClinVar variation 4772678 (VCV004772678.1).

ClinVar aggregate classification (germline): Uncertain significance (1 of 4 stars; one submission).

Conditions:
EGFR-related lung cancer (EGFR). Identifiers: MedGen CN130014.

Submission:

Labcorp Genetics (formerly Invitae), Labcorp
Classification: Uncertain significance for EGFR-related lung cancer. Last evaluated: 2026-01-17. Review status: criteria provided, single submitter. Criteria: Invitae Variant Classification Sherloc (09022015). Collection method: clinical testing. Allele origin: germline.
Comment: This sequence change replaces glutamine, which is neutral and polar, with arginine, which is basic and polar, at codon 163 of the EGFR protein (p.Gln163Arg). This variant is not present in population databases (gnomAD no frequency). This variant has not been reported in the literature in individuals affected with EGFR-related conditions. An algorithm developed to predict the effect of missense changes on protein structure and function (PolyPhen-2) suggests that this variant is likely to be tolerated. In summary, the available evidence is currently insufficient to determine the role of this variant in disease. Therefore, it has been classified as a Variant of Uncertain Significance.